The following is an entry in ClinVar:

ClinVar aggregate classification (germline): Likely benign (0 of 4 stars; one submission).

Conditions:
ATP8B1-related disorder. Also called: ATP8B1-related disorders; ATP8B1-related condition.

Allele frequency attached by ClinVar (database versions not stated): gnomAD exomes 0.00001; gnomAD 0.00003; ExAC 0.00004; 1000 Genomes Project 0.00040; 1000 Genomes Project 30x 0.00047.
gnomAD v4.1: 17 of 1,612,714 alleles (0.0011%); highest among the groups gnomAD compares: Admixed American, 0.017%; no homozygotes.

Submission:

PreventionGenetics, part of Exact Sciences
Classification: Likely benign for ATP8B1-related condition. Last evaluated: 2019-04-09. Review status: no assertion criteria provided. Collection method: clinical testing. Allele origin: germline.
Comment: This variant is classified as likely benign based on ACMG/AMP sequence variant interpretation guidelines (Richards et al. 2015 PMID: 25741868, with internal and published modifications).

NM_001374385.1(ATP8B1):c.3531+5A>G

Genes: ATP8B1 (ATPase phospholipid transporting 8B1; minus strand), ATP8B1-AS1 (ATP8B1 antisense RNA 1; plus strand). Cytogenetic location: 18q21.31.
Variant type: single nucleotide variant.
Coding change: c.3531+5A>G on transcript NM_001374385.1 (MANE Select); 5 bases into the intron after coding-DNA position 3531, A replaced by G.
Molecular consequence: intron variant.
Genome position (GRCh38, 1-based): chr18:57,650,362, T>C on the plus strand (A>G on the coding strand, the complement: ATP8B1 is on the minus strand). VCF-style: chr18-57650362-T-C. GRCh37 (hg19) VCF-style: chr18-55317594-T-C.
Other names: c.3531+5A>G (NM_005603.6); c.3381+5A>G (NM_001374386.1).
Identifiers: ClinVar variation 3046537 (VCV003046537.2), dbSNP rs188965072, ClinGen allele CA8973992.